The following is an entry in ClinVar:

NM_032389.6(ARFGAP2):c.1016G>A (p.Arg339His)

Gene: ARFGAP2 (ARF GTPase activating protein 2; minus strand). Cytogenetic location: 11p11.2.
Variant type: single nucleotide variant.
Coding change: c.1016G>A on transcript NM_032389.6 (MANE Select); coding-DNA position 1016, G replaced by A.
Protein change: p.Arg339His; replaces arginine 339 with histidine.
Molecular consequence: missense variant.
Genome position (GRCh38, 1-based): chr11:47,168,177, C>T on the plus strand (G>A on the coding strand, the complement: ARFGAP2 is on the minus strand). VCF-style: chr11-47168177-C-T. GRCh37 (hg19) VCF-style: chr11-47189728-C-T.
Other names: c.932G>A, p.Arg311His (NM_001242832.2); c.1058G>A, p.Arg353His (NM_001410995.1); short protein forms R311H, R339H, R353H.
Identifiers: ClinVar variation 3055789 (VCV003055789.2), dbSNP rs34662994, ClinGen allele CA5971411.
Genomic context (GRCh38, chr11:47,168,177, plus strand): 5'-CCTTACTTTGGGGGTCCAGAGGCGAAAGTACCAACATCGTCAAACAAGTCCAGCTGCGAG[C>T]GAGAGGATTTTGCACTCACTGGGGTTTCCTGCTCAATCACCTGCATCTCAGACAGCACGG-3'
Protein context (NP_115765.2, residues 329-349): QETPVSAKSS[Arg339His]SQLDLFDDVG

ClinVar aggregate classification (germline): Benign (0 of 4 stars; one submission).

Conditions:
ARFGAP2-related disorder. Also called: ARFGAP2-related condition.

Allele frequency attached by ClinVar (database versions not stated): 1000 Genomes Project 0.00639; ESP Exome Variant Server 0.00654; 1000 Genomes Project 30x 0.00671.
gnomAD v4.1: 2,039 of 1,614,238 alleles (0.13%); highest among the groups gnomAD compares: African/African-American, 2.3%; 20 homozygotes.

Submission:

PreventionGenetics, part of Exact Sciences
Classification: Benign for ARFGAP2-related condition. Last evaluated: 2019-07-12. Review status: no assertion criteria provided. Collection method: clinical testing. Allele origin: germline.
Comment: This variant is classified as benign based on ACMG/AMP sequence variant interpretation guidelines (Richards et al. 2015 PMID: 25741868, with internal and published modifications).